The following is an entry in ClinVar:

NM_015338.6(ASXL1):c.3940C>G (p.Leu1314Val)

Gene: ASXL1 (ASXL transcriptional regulator 1; plus strand). Cytogenetic location: 20q11.21.
Variant type: single nucleotide variant.
Coding change: c.3940C>G on transcript NM_015338.6 (MANE Select); coding-DNA position 3940, C replaced by G.
Protein change: p.Leu1314Val; replaces leucine 1314 with valine.
Molecular consequence: missense variant.
Genome position (GRCh38, 1-based): chr20:32,436,652, C>G. VCF-style: chr20-32436652-C-G. GRCh37 (hg19) VCF-style: chr20-31024455-C-G.
Other names: c.3757C>G, p.Leu1253Val (NM_001363734.1); short protein forms L1314V, L1253V.
Identifiers: ClinVar variation 3793147 (VCV003793147.1).

ClinVar aggregate classification (germline): Uncertain significance (1 of 4 stars; one submission).

Conditions:
Inborn genetic diseases. Identifiers: MedGen C0950123, MeSH D030342.

gnomAD v4.1: 4 of 1,614,050 alleles (0.00025%); highest among the groups gnomAD compares: Non-Finnish European, 0.00034%; no homozygotes.

Submission:

Ambry Genetics
Classification: Uncertain significance for Inborn genetic diseases. Last evaluated: 2025-02-02. Review status: criteria provided, single submitter. Criteria: Ambry Variant Classification Scheme 2023. Collection method: clinical testing. Allele origin: germline.
Comment: The p.L1314V variant (also known as c.3940C>G), located in coding exon 13 of the ASXL1 gene, results from a C to G substitution at nucleotide position 3940. The leucine at codon 1314 is replaced by valine, an amino acid with highly similar properties. This amino acid position is conserved. In addition, this alteration is predicted to be tolerated by in silico analysis. Based on the available evidence, the clinical significance of this variant remains unclear.